The following is an entry in ClinVar:

NM_004787.4(SLIT2):c.2850+3A>C

Gene: SLIT2 (slit guidance ligand 2; plus strand). Cytogenetic location: 4p15.31.
Variant type: single nucleotide variant.
Coding change: c.2850+3A>C on transcript NM_004787.4 (MANE Select); 3 bases into the intron after coding-DNA position 2850, A replaced by C.
Molecular consequence: intron variant.
Genome position (GRCh38, 1-based): chr4:20,567,389, A>C. VCF-style: chr4-20567389-A-C. GRCh37 (hg19) VCF-style: chr4-20569012-A-C.
Other names: c.2838+3A>C (NM_001289135.3); c.2826+3A>C (NM_001289136.3).
Identifiers: ClinVar variation 3030912 (VCV003030912.2), dbSNP rs147827737, ClinGen allele CA2871951.

ClinVar aggregate classification (germline): Likely benign (0 of 4 stars; one submission).

Conditions:
SLIT2-related disorder. Also called: SLIT2-related condition.

Allele frequency attached by ClinVar (database versions not stated): gnomAD 0.00003; ExAC 0.00012; 1000 Genomes Project 30x 0.00016; 1000 Genomes Project 0.00020.
gnomAD v4.1: 174 of 1,613,228 alleles (0.011%); highest among the groups gnomAD compares: Non-Finnish European, 0.014%; no homozygotes.

Submission:

PreventionGenetics, part of Exact Sciences
Classification: Likely benign for SLIT2-related condition. Last evaluated: 2020-11-24. Review status: no assertion criteria provided. Collection method: clinical testing. Allele origin: germline.
Comment: This variant is classified as likely benign based on ACMG/AMP sequence variant interpretation guidelines (Richards et al. 2015 PMID: 25741868, with internal and published modifications).